The following is an entry in ClinVar:

ClinVar aggregate classification (germline): Pathogenic. Review status: criteria provided, multiple submitters, no conflicts (2 of 4 stars). 2 submissions from 2 submitters: Pathogenic (2). Last evaluated 2025-02-24.

Conditions:
Episodic kinesigenic dyskinesia (EKD). Also called: Paroxysmal kinesigenic dyskinesia. Identifiers: Orphanet 98809, MedGen C1868682, MONDO:0044202.

Submissions (2):

Labcorp Genetics (formerly Invitae), Labcorp
Classification: Pathogenic for Episodic kinesigenic dyskinesia. Last evaluated: 2025-02-24. Review status: criteria provided, single submitter. Criteria: Invitae Variant Classification Sherloc (09022015). Collection method: clinical testing. Allele origin: germline.
Comment: This sequence change creates a premature translational stop signal (p.Ala306*) in the PRRT2 gene. It is expected to result in an absent or disrupted protein product. Loss-of-function variants in PRRT2 are known to be pathogenic (PMID: 22623405, 22744660). This variant is not present in population databases (gnomAD no frequency). This variant has not been reported in the literature in individuals affected with PRRT2-related conditions. ClinVar contains an entry for this variant (Variation ID: 1069946). For these reasons, this variant has been classified as Pathogenic.

Athena Diagnostics
Classification: Pathogenic. Last evaluated: 2020-06-25. Review status: criteria provided, single submitter. Criteria: Athena Diagnostics Criteria. Collection method: clinical testing. Allele origin: unknown.
Comment: This variant is expected to result in the loss of a functional protein. This variant has been identified in at least one individual tested at Athena Diagnostics with clinical features associated with this gene. This variant has not been reported in large, multi-ethnic general populations.This observation is not an independent occurrence and has been identified in the same individual by RCIGM, the other laboratory participating in the GEMINI study.

Literature cited by the submitters: PubMed 22623405 (cited by Labcorp Genetics (formerly Invitae), Labcorp); PubMed 22744660 (cited by Labcorp Genetics (formerly Invitae), Labcorp).

NM_145239.3(PRRT2):c.916_934del (p.Gly305_Ala306insTer)

Genes: MVP-DT (MVP divergent transcript; minus strand), PRRT2 (proline rich transmembrane protein 2; plus strand). Cytogenetic location: 16p11.2.
Variant type: Deletion.
Coding change: c.916_934del on transcript NM_145239.3 (MANE Select); coding-DNA positions 916 to 934, 19 bases deleted (GCCCAGCGTCTGGGCCGGG).
Protein change: p.Gly305_Ala306insTer.
Molecular consequence: nonsense. On other transcripts: 3 prime UTR variant (1).
Genome position (GRCh38, 1-based): chr16:29,814,369-29,814,387, GCCCAGCGTCTGGGCCGGG deleted; deleting any 19 consecutive bases within chr16:29,814,365-29,814,387 gives the same sequence; the c. name uses the placement nearest the transcript's 3' end. VCF-style (leftmost placement, unchanged base first): chr16-29814364-ACGGGGCCCAGCGTCTGGGC-A. GRCh37 (hg19) VCF-style: chr16-29825685-ACGGGGCCCAGCGTCTGGGC-A.
Other names: c.916_934del, p.Gly305_Ala306insTer (NM_001256442.2); c.*415_*433del (NM_001256443.2).
Identifiers: ClinVar variation 1069946 (VCV001069946.8), dbSNP rs2142428932, ClinGen allele CA2499223483.